The following is an entry in ClinVar:

ClinVar aggregate classification (germline): Uncertain significance (1 of 4 stars; one submission).

Submission:

CeGaT Center for Human Genetics Tuebingen
Classification: Uncertain significance. Last evaluated: 2026-09-01. Review status: criteria provided, single submitter. Criteria: CeGaT Center For Human Genetics Tuebingen Variant Classification Criteria Version 2. Collection method: clinical testing. Allele origin: germline. Affected: yes. Observed: 1 variant allele.
Comment: TRIM71: PM2

NM_001039111.3(TRIM71):c.817G>A (p.Glu273Lys)

Gene: TRIM71 (tripartite motif containing 71; plus strand). Cytogenetic location: 3p22.3.
Variant type: single nucleotide variant.
Coding change: c.817G>A on transcript NM_001039111.3 (MANE Select); coding-DNA position 817, G replaced by A.
Protein change: p.Glu273Lys; replaces glutamic acid 273 with lysine.
Molecular consequence: missense variant.
Genome position (GRCh38, 1-based): chr3:32,818,897, G>A. VCF-style: chr3-32818897-G-A. GRCh37 (hg19) VCF-style: chr3-32860389-G-A.
Other names: short protein forms E273K.
Identifiers: ClinVar variation 5041740 (VCV005041740.1).